The following is an entry in ClinVar:

ClinVar aggregate classification (germline): Uncertain significance (1 of 4 stars; one submission).

Conditions:
Cardiovascular phenotype. Identifiers: MedGen CN230736.

Submission:

Molecular Diagnostic Laboratory for Inherited Cardiovascular Disease, Montreal Heart Institute
Classification: Uncertain significance for Cardiovascular phenotype. Last evaluated: 2026-09-21. Review status: criteria provided, single submitter. Criteria: ACMG Guidelines, 2015. Collection method: clinical testing. Allele origin: germline. Affected: yes.
Comment: PVS1_mod, PM2

NM_001035.2:c.(1827+1_1828-1)_(1961+1_1962-1)del

Gene: RYR2 (ryanodine receptor 2; plus strand).
Variant type: Deletion.
Identifiers: ClinVar variation 5037845 (VCV005037845.1).